The following is an entry in ClinVar:

ClinVar aggregate classification (germline): Uncertain significance (1 of 4 stars; one submission).

Submission:

Labcorp Genetics (formerly Invitae), Labcorp
Classification: Uncertain significance. Last evaluated: 2023-02-20. Review status: criteria provided, single submitter. Criteria: Invitae Variant Classification Sherloc (09022015). Collection method: clinical testing. Allele origin: germline.
Comment: In summary, the available evidence is currently insufficient to determine the role of this variant in disease. Therefore, it has been classified as a Variant of Uncertain Significance. Advanced modeling of protein sequence and biophysical properties (such as structural, functional, and spatial information, amino acid conservation, physicochemical variation, residue mobility, and thermodynamic stability) performed at Invitae indicates that this missense variant is expected to disrupt PROM1 protein function. This variant has not been reported in the literature in individuals affected with PROM1-related conditions. This variant is not present in population databases (gnomAD no frequency). This sequence change replaces proline, which is neutral and non-polar, with serine, which is neutral and polar, at codon 807 of the PROM1 protein (p.Pro807Ser).

NM_006017.3(PROM1):c.2419C>T (p.Pro807Ser)

Gene: PROM1 (prominin 1; minus strand). Cytogenetic location: 4p15.32.
Variant type: single nucleotide variant.
Coding change: c.2419C>T on transcript NM_006017.3 (MANE Select); coding-DNA position 2419, C replaced by T.
Protein change: p.Pro807Ser; replaces proline 807 with serine.
Molecular consequence: missense variant.
Genome position (GRCh38, 1-based): chr4:15,980,492, G>A on the plus strand (C>T on the coding strand, the complement: PROM1 is on the minus strand). VCF-style: chr4-15980492-G-A. GRCh37 (hg19) VCF-style: chr4-15982115-G-A.
Other names: c.2392C>T, p.Pro798Ser (NM_001145847.2, NM_001145848.2, NM_001145851.2 and 4 more transcripts); c.2419C>T, p.Pro807Ser (NM_001145849.2, NM_001145850.2); short protein forms P807S, P798S.
Identifiers: ClinVar variation 1975444 (VCV001975444.5), dbSNP rs2474892770, ClinGen allele CA356426719.